The following is an entry in ClinVar:

NM_001394062.1(MACF1):c.18343del (p.Ala6115fs)

Gene: MACF1 (microtubule actin crosslinking factor 1; plus strand). Cytogenetic location: 1p34.3.
Variant type: Deletion.
Coding change: c.18343del on transcript NM_001394062.1 (MANE Select); coding-DNA position 18343, one base deleted (G; older notation c.18343delG).
Protein change: p.Ala6115fs; shifts the reading frame from alanine 6115.
Molecular consequence: frameshift variant.
Genome position (GRCh38, 1-based): chr1:39,439,396, G deleted; the last of 2 consecutive G bases (chr1:39,439,395-39,439,396); deleting either gives the same sequence. VCF-style (leftmost placement, unchanged base first): chr1-39439394-TG-T. GRCh37 (hg19) VCF-style: chr1-39905066-TG-T.
Other names: c.6421del, p.Ala2141fs (NM_001397473.1); c.12166del, p.Ala4056fs (NM_012090.5); short protein forms A2141fs, A4056fs, A6115fs.
Identifiers: ClinVar variation 3256875 (VCV003256875.1).
Genomic context (GRCh38, chr1:39,439,394, plus strand): 5'-AAGAACGAGAAATCAAATTTCTTGATGTCCTTGAATTAGCAGAGAAGTTCTGGTATGACA[TG>T]GCAGCTCTCCTGACCACCATCAAAGACACCCAGGATATTGTCCATGACTTGGAAAGCCCA-3'

ClinVar aggregate classification (germline): Uncertain significance (1 of 4 stars; one submission).

Conditions:
Lissencephaly 9 with complex brainstem malformation. Identifiers: Orphanet 572013, MedGen C5193029, MONDO:0032677, OMIM 618325.

Submission:

MVZ Medizinische Genetik Mainz
Classification: Uncertain significance for Lissencephaly 9 with complex brainstem malformation. Last evaluated: 2024-05-16. Review status: criteria provided, single submitter. Criteria: UK Practice Guidelines For Variant Classification V4 01 2020. Collection method: clinical testing. Allele origin: germline. Inheritance: Autosomal dominant inheritance. Affected: yes. Observed: 1 variant allele.
Comment: ACMG Criteria: PM2_SUP,PP3